The following is an entry in ClinVar:

ClinVar aggregate classification (germline): Uncertain significance (1 of 4 stars; one submission).

Conditions:
Hereditary nonpolyposis colorectal neoplasms. Identifiers: MedGen C0009405, MeSH D003123.

Submission:

Labcorp Genetics (formerly Invitae), Labcorp
Classification: Uncertain significance for Hereditary nonpolyposis colorectal neoplasms. Last evaluated: 2024-05-23. Review status: criteria provided, single submitter. Criteria: Invitae Variant Classification Sherloc (09022015). Collection method: clinical testing. Allele origin: germline.
Comment: This sequence change replaces leucine, which is neutral and non-polar, with phenylalanine, which is neutral and non-polar, at codon 359 of the PMS2 protein (p.Leu359Phe). This variant is not present in population databases (gnomAD no frequency). This variant has not been reported in the literature in individuals affected with PMS2-related conditions. Advanced modeling of protein sequence and biophysical properties (such as structural, functional, and spatial information, amino acid conservation, physicochemical variation, residue mobility, and thermodynamic stability) performed at Invitae indicates that this missense variant is expected to disrupt PMS2 protein function with a positive predictive value of 80%. In summary, the available evidence is currently insufficient to determine the role of this variant in disease. Therefore, it has been classified as a Variant of Uncertain Significance.

NM_000535.7(PMS2):c.1077G>C (p.Leu359Phe)

Gene: PMS2 (PMS1 homolog 2, mismatch repair system component; minus strand). Cytogenetic location: 7p22.1.
Variant type: single nucleotide variant.
Coding change: c.1077G>C on transcript NM_000535.7 (MANE Select); coding-DNA position 1077, G replaced by C.
Protein change: p.Leu359Phe; replaces leucine 359 with phenylalanine.
Molecular consequence: missense variant. On other transcripts: non-coding transcript variant (1), intron variant (10).
Genome position (GRCh38, 1-based): chr7:5,989,867, C>G on the plus strand (G>C on the coding strand, the complement: PMS2 is on the minus strand). VCF-style: chr7-5989867-C-G. GRCh37 (hg19) VCF-style: chr7-6029498-C-G.
Other names: c.672G>C, p.Leu224Phe (NM_001322003.2, NM_001322004.2, NM_001322005.2 and 16 more transcripts); c.759G>C, p.Leu253Phe (NM_001322007.2, NM_001322008.2, NM_001406883.1 and 2 more transcripts); c.144G>C, p.Leu48Phe (NM_001322011.2, NM_001322012.2); c.504G>C, p.Leu168Phe (NM_001322013.2, NM_001406909.1); c.1077G>C, p.Leu359Phe (NM_001322014.2, NM_001406871.1, NM_001406872.1); c.768G>C, p.Leu256Phe (NM_001322015.2, NM_001406878.1, NM_001406879.1 and 5 more transcripts); c.741G>C, p.Leu247Phe (NM_001406885.1); c.711G>C, p.Leu237Phe (NM_001406886.1); and 13 more; short protein forms L367F, L421F, L224F, L247F, L253F, L303F, L323F, L102F.
Identifiers: ClinVar variation 3654345 (VCV003654345.2).
Genomic context (GRCh38, chr7:5,989,867, plus strand): 5'-ATCCAGCAGTGGCTGCTGACTGACATTTAGCTTGTTGACATCACTATCAAACATTCCTAT[C>G]AAAGAGGTCTTTAAAACTGCCAACAAAAGCTTTTCCTCTTGTAGCAAAATTTGCCTTTTA-3'
Protein context (NP_000526.2, residues 349-369): KLLLAVLKTS[Leu359Phe]IGMFDSDVNK